The following is an entry in ClinVar:

ClinVar aggregate classification (germline): Uncertain significance (1 of 4 stars; one submission).

Submission:

Labcorp Genetics (formerly Invitae), Labcorp
Classification: Uncertain significance. Last evaluated: 2024-10-24. Review status: criteria provided, single submitter. Criteria: Invitae Variant Classification Sherloc (09022015). Collection method: clinical testing. Allele origin: germline.
Comment: This sequence change replaces proline, which is neutral and non-polar, with threonine, which is neutral and polar, at codon 52 of the ANLN protein (p.Pro52Thr). This variant is not present in population databases (gnomAD no frequency). This variant has not been reported in the literature in individuals affected with ANLN-related conditions. An algorithm developed to predict the effect of missense changes on protein structure and function (PolyPhen-2) suggests that this variant is likely to be disruptive. In summary, the available evidence is currently insufficient to determine the role of this variant in disease. Therefore, it has been classified as a Variant of Uncertain Significance.

NM_018685.5(ANLN):c.154C>A (p.Pro52Thr)

Gene: ANLN (anillin, actin binding protein; plus strand). Cytogenetic location: 7p14.2.
Variant type: single nucleotide variant.
Coding change: c.154C>A on transcript NM_018685.5 (MANE Select); coding-DNA position 154, C replaced by A.
Protein change: p.Pro52Thr; replaces proline 52 with threonine.
Molecular consequence: missense variant.
Genome position (GRCh38, 1-based): chr7:36,396,401, C>A. VCF-style: chr7-36396401-C-A. GRCh37 (hg19) VCF-style: chr7-36436010-C-A.
Other names: c.154C>A, p.Pro52Thr (NM_001284301.3, NM_001284302.3); short protein forms P52T.
Identifiers: ClinVar variation 3683779 (VCV003683779.2).